The following is an entry in ClinVar:

ClinVar aggregate classification (germline): Uncertain significance (1 of 4 stars; one submission).

Conditions:
RP1L1-related disorder. Also called: RP1L1-related condition.

Submission:

PreventionGenetics, part of Exact Sciences
Classification: Uncertain significance for RP1L1-related condition. Last evaluated: 2026-08-21. Review status: criteria provided, single submitter. Criteria: ACMG Guidelines, 2015. Collection method: clinical testing. Allele origin: germline.
Comment: The RP1L1 c.5023A>G variant is predicted to result in the amino acid substitution p.Thr1675Ala. To our knowledge, this variant has not been reported in the literature. This variant is reported in 0.0065% of alleles in individuals of African descent in gnomAD. At this time, the clinical significance of this variant is uncertain due to the absence of conclusive functional and genetic evidence.

NM_178857.6(RP1L1):c.5023A>G (p.Thr1675Ala)

Gene: RP1L1 (RP1 like 1). Cytogenetic location: 8p23.1.
Variant type: single nucleotide variant.
Coding change: c.5023A>G on transcript NM_178857.6 (MANE Select); coding-DNA position 5023, A replaced by G.
Protein change: p.Thr1675Ala; replaces threonine 1675 with alanine.
Molecular consequence: missense variant.
Genome position (GRCh38, 1-based): chr8:10,609,075, T>C on the plus strand (A>G on the coding strand, the complement: RP1L1 is on the minus strand). VCF-style: chr8-10609075-T-C. GRCh37 (hg19) VCF-style: chr8-10466585-T-C.
Other names: short protein forms T1675A.
Identifiers: ClinVar variation 4989058 (VCV004989058.1).
Genomic context (GRCh38, chr8:10,609,075, plus strand): 5'-TCTGCAGAATCTGCTGCAGGTCAAAGGCCTCTTTGATGGGACCTCTGGTTGCCCCCATTG[T>C]GGCCTTGGGGGACATAGGGCTCACTTTCTTCCTCACGCAGGCCTCGCAGGGACAGAACTC-3'
Protein context (NP_849188.4, residues 1665-1685): KKVSPMSPKA[Thr1675Ala]MGATRGPIKE